The following is an entry in ClinVar:

NM_000051.4(ATM):c.3746+2T>G

Gene: ATM (ATM serine/threonine kinase; plus strand). Cytogenetic location: 11q22.3.
Variant type: single nucleotide variant.
Coding change: c.3746+2T>G on transcript NM_000051.4 (MANE Select); the canonical splice donor site of the intron after coding-DNA position 3746, T replaced by G.
Molecular consequence: splice donor variant.
Genome position (GRCh38, 1-based): chr11:108,282,881, T>G. VCF-style: chr11-108282881-T-G. GRCh37 (hg19) VCF-style: chr11-108153608-T-G.
Other names: c.3746+2T>G (NM_001351834.2, NM_000051.3).
Identifiers: ClinVar variation 3148031 (VCV003148031.2), dbSNP rs2135691302, ClinGen allele CA382523929.

ClinVar aggregate classification (germline): Likely pathogenic. Review status: criteria provided, multiple submitters, no conflicts (2 of 4 stars). 2 submissions from 2 submitters: Likely pathogenic (2). Last evaluated 2024-09-06.

Conditions:
Hereditary cancer-predisposing syndrome. Also called: Neoplastic Syndromes, Hereditary; Tumor predisposition; Hereditary neoplastic syndrome; Hereditary Cancer Syndrome. Identifiers: Orphanet 140162, MedGen C0027672, MeSH D009386, MONDO:0015356.
Familial cancer of breast. Also called: BREAST CANCER, FAMILIAL; Hereditary breast cancer; hereditary breast carcinoma. Identifiers: Orphanet 227535, MedGen C0346153, MONDO:0016419, OMIM 114480. Disease mechanism: loss of function.

Submissions (2):

Ambry Genetics
Classification: Likely pathogenic for Hereditary cancer-predisposing syndrome. Last evaluated: 2024-09-06. Review status: criteria provided, single submitter. Criteria: Ambry Variant Classification Scheme 2023. Collection method: clinical testing. Allele origin: germline.
Comment: The c.3746+2T>G intronic variant results from a T to G substitution two nucleotides after coding exon 24 in the ATM gene. This nucleotide position is highly conserved in available vertebrate species. In silico splice site analysis predicts that this alteration will weaken the native splice donor site. RNA studies have demonstrated that this alteration results in abnormal splicing in the set of samples tested (Ambry internal data). This variant is considered to be rare based on population cohorts in the Genome Aggregation Database (gnomAD). Based on the majority of available evidence to date, this variant is likely to be pathogenic.

Myriad Genetics, Inc.
Classification: Likely pathogenic for Familial cancer of breast. Last evaluated: 2024-01-22. Review status: criteria provided, single submitter. Criteria: Myriad Autosomal Dominant, Autosomal Recessive and X-Linked Classification Criteria (2023). Collection method: clinical testing. Allele origin: unknown.
Comment: This variant is considered likely pathogenic. This variant occurs within a consensus splice junction and is predicted to result in abnormal mRNA splicing of either an out-of-frame exon or an in-frame exon necessary for protein stability and/or normal function.